The following is an entry in ClinVar:

ClinVar aggregate classification (germline): Pathogenic (1 of 4 stars; one submission).

Conditions:
Neurofibromatosis, type 1 (NF1). Also called: VON RECKLINGHAUSEN DISEASE; Peripheral type neurofibromatosis; NEUROFIBROMATOSIS, TYPE I, SOMATIC; Neurofibromatosis, type I. Identifiers: Orphanet 636, MedGen C0027831, MONDO:0018975, OMIM 162200. Disease mechanism: loss of function.

Submission:

Labcorp Genetics (formerly Invitae), Labcorp
Classification: Pathogenic for Neurofibromatosis, type 1. Last evaluated: 2020-10-19. Review status: criteria provided, single submitter. Criteria: Invitae Variant Classification Sherloc (09022015). Collection method: clinical testing. Allele origin: germline.
Comment: This variant has not been reported in the literature in individuals with NF1-related conditions. For these reasons, this variant has been classified as Pathogenic. This variant disrupts the p.Met1440 amino acid residue in NF1. Other variant(s) that disrupt this residue have been determined to be pathogenic (PMID: 24789688, 28961165, 25074460, Invitae). This suggests that this residue is clinically significant, and that variants that disrupt this residue are likely to be disease-causing. Algorithms developed to predict the effect of sequence changes on RNA splicing suggest that this variant may disrupt the consensus splice site, but this prediction has not been confirmed by published transcriptional studies. This variant is not present in population databases (ExAC no frequency). This variant results in the deletion of part of exon 32 (c.4310_4367+20delins54) of the NF1 gene. It is expected to disrupt RNA splicing. Variants that disrupt the donor or acceptor splice site typically lead to a loss of protein function (PMID: 16199547), and loss-of-function variants in NF1 are known to be pathogenic (PMID: 10712197, 23913538).

Literature cited by the submitters: PubMed 24789688; PubMed 28961165; PubMed 25074460; PubMed 16199547; PubMed 10712197; PubMed 23913538.

NM_001042492.3(NF1):c.4373_4430+20delinsGCAACTGAGTAAGTGGCAAGAAAATTACCTGCATCAAAGTTGCTTTTCACAAAA

Gene: NF1 (neurofibromin 1; plus strand). Cytogenetic location: 17q11.2.
Variant type: Indel.
Coding change: c.4373_4430+20delinsGCAACTGAGTAAGTGGCAAGAAAATTACCTGCATCAAAGTTGCTTTTCACAAAA on transcript NM_001042492.3 (MANE Select); coding-DNA position 4373 through 20 bases into the intron after coding-DNA position 4430, the reference bases replaced by an inserted sequence.
Molecular consequence: splice donor variant.
Genome position (GRCh38, 1-based): chr17:31,259,072-31,259,149, 78 bases replaced. GRCh37 (hg19): chr17:29,586,090-29,586,167.
Other names: c.4310_4367+20delinsGCAACTGAGTAAGTGGCAAGAAAATTACCTGCATCAAAGTTGCTTTTCACAAAA (NM_000267.4).
Identifiers: ClinVar variation 1071952 (VCV001071952.3), dbSNP rs2151463053, ClinGen allele CA2499224132.